The following is an entry in ClinVar:

NM_001378452.1(ITPR1):c.6994G>T (p.Val2332Phe)

Gene: ITPR1 (inositol 1,4,5-trisphosphate receptor type 1; plus strand). Cytogenetic location: 3p26.1.
Variant type: single nucleotide variant.
Coding change: c.6994G>T on transcript NM_001378452.1 (MANE Select); coding-DNA position 6994, G replaced by T.
Protein change: p.Val2332Phe; replaces valine 2332 with phenylalanine.
Molecular consequence: missense variant.
Genome position (GRCh38, 1-based): chr3:4,800,487, G>T. VCF-style: chr3-4800487-G-T. GRCh37 (hg19) VCF-style: chr3-4842171-G-T.
Other names: c.6850G>T, p.Val2284Phe (NM_001099952.4); c.6949G>T, p.Val2317Phe (NM_001168272.2); c.6805G>T, p.Val2269Phe (NM_002222.7); short protein forms V2332F, V2284F, V2317F, V2269F.
Identifiers: ClinVar variation 2998285 (VCV002998285.3), dbSNP rs780156688, ClinGen allele CA351643662.

ClinVar aggregate classification (germline): Uncertain significance (1 of 4 stars; one submission).

Submission:

Labcorp Genetics (formerly Invitae), Labcorp
Classification: Uncertain significance. Last evaluated: 2024-06-23. Review status: criteria provided, single submitter. Criteria: Invitae Variant Classification Sherloc (09022015). Collection method: clinical testing. Allele origin: germline.
Comment: This sequence change replaces valine, which is neutral and non-polar, with phenylalanine, which is neutral and non-polar, at codon 2269 of the ITPR1 protein (p.Val2269Phe). This variant is not present in population databases (gnomAD no frequency). This variant has not been reported in the literature in individuals affected with ITPR1-related conditions. Advanced modeling of protein sequence and biophysical properties (such as structural, functional, and spatial information, amino acid conservation, physicochemical variation, residue mobility, and thermodynamic stability) performed at Invitae indicates that this missense variant is not expected to disrupt ITPR1 protein function with a negative predictive value of 80%. In summary, the available evidence is currently insufficient to determine the role of this variant in disease. Therefore, it has been classified as a Variant of Uncertain Significance.